The following is an entry in ClinVar:

NM_016495.6(TBC1D7):c.342G>A (p.Leu114=)

Genes: TBC1D7 (TBC1 domain family member 7; minus strand), TBC1D7-LOC100130357 (TBC1D7-LOC100130357 readthrough; minus strand). Cytogenetic location: 6p24.1.
Variant type: single nucleotide variant.
Coding change: c.342G>A on transcript NM_016495.6 (MANE Select); coding-DNA position 342, G replaced by A.
Protein change: p.Leu114=; no amino-acid change (leucine 114 retained).
Molecular consequence: synonymous variant. On other transcripts: non-coding transcript variant (1).
Genome position (GRCh38, 1-based): chr6:13,320,947, C>T on the plus strand (G>A on the coding strand, the complement: TBC1D7 is on the minus strand). VCF-style: chr6-13320947-C-T. GRCh37 (hg19) VCF-style: chr6-13321179-C-T.
Other names: c.342G>A (NM_016495.5); c.342G>A, p.Leu114= (NM_001318809.2, NM_001143964.4, NM_001143965.4 and 2 more transcripts); c.261G>A, p.Leu87= (NM_001143966.4, NM_001318806.2).
Identifiers: ClinVar variation 785159 (VCV000785159.13), dbSNP rs35014745, ClinGen allele CA3639813.

ClinVar aggregate classification (germline): Benign. Review status: criteria provided, multiple submitters, no conflicts (2 of 4 stars). 3 submissions from 3 submitters: Benign (2). 1 of the submissions does not count toward it. Last evaluated 2025-12-25.

Conditions:
TBC1D7-related disorder. Also called: TBC1D7-related condition.

Allele frequency attached by ClinVar (database versions not stated): gnomAD exomes 0.00201 and 0.00524; ExAC 0.00650; gnomAD 0.01976 and 0.02121; 1000 Genomes Project 0.02077; 1000 Genomes Project 30x 0.02124; TOPMed 0.02201; ESP Exome Variant Server 0.02230.
gnomAD v4.1: 6,114 of 1,614,126 alleles (0.38%); highest among the groups gnomAD compares: African/African-American, 6.7%; 170 homozygotes.

Submissions (3):

Labcorp Genetics (formerly Invitae), Labcorp
Classification: Benign. Last evaluated: 2025-12-25. Review status: criteria provided, single submitter. Criteria: Invitae Variant Classification Sherloc (09022015). Collection method: clinical testing. Allele origin: germline.

GeneDx
Classification: Benign. Last evaluated: 2018-09-04. Review status: criteria provided, single submitter. Criteria: GeneDx Variant Classification Process June 2021. Collection method: clinical testing. Allele origin: germline. Affected: yes.

PreventionGenetics, part of Exact Sciences
Classification: Benign for TBC1D7-related condition. Last evaluated: 2019-10-02. Review status: no assertion criteria provided. Collection method: clinical testing. Allele origin: germline. Not counted in ClinVar's aggregate classification.
Comment: This variant is classified as benign based on ACMG/AMP sequence variant interpretation guidelines (Richards et al. 2015 PMID: 25741868, with internal and published modifications).